The following is an entry in ClinVar:

ClinVar aggregate classification (germline): Benign/Likely benign. Review status: criteria provided, multiple submitters, no conflicts (2 of 4 stars). 5 submissions from 5 submitters: Benign (1); Likely benign (4). Last evaluated 2026-01-26.

Conditions:
Cowden syndrome 3 (CWS3). Identifiers: Orphanet 201, MedGen CN166604, MONDO:0014045.
Carney-Stratakis syndrome. Also called: PARAGANGLIOMA AND GASTROINTESTINAL STROMAL TUMOR. Identifiers: Orphanet 97286, MedGen C1847319, MONDO:0011740, OMIM 606864.
Paragangliomas with sensorineural hearing loss. Identifiers: MedGen C1868633.
Pheochromocytoma. Also called: MAX-Related Hereditary Paraganglioma-Pheochromocytoma Syndrome. Identifiers: Orphanet 29072, MedGen C0031511, MONDO:0008233, OMIM 171300, HP:0002666.
Hereditary cancer-predisposing syndrome. Also called: Tumor predisposition; Hereditary neoplastic syndrome; Neoplastic Syndromes, Hereditary; Hereditary Cancer Syndrome. Identifiers: Orphanet 140162, MedGen C0027672, MeSH D009386, MONDO:0015356.
Hereditary pheochromocytoma and paraganglioma. Also called: Hereditary paragangliomas and pheochromocytomas; Hereditary Paraganglioma-Pheochromocytoma Syndromes; Hereditary pheochromocytoma-paraganglioma. Identifiers: Orphanet 29072, MedGen C4274332, MONDO:0017366.
Pheochromocytoma/paraganglioma syndrome 1. Also called: PARAGANGLIOMAS, FAMILIAL NONCHROMAFFIN, 1; PGL 1; Paragangliomas familial 1; SDHD-Related Hereditary Paraganglioma-Pheochromocytoma Syndrome; PARAGANGLIOMATA; Paragangliomas 1. Identifiers: Orphanet 29072, MedGen C3494181, MONDO:0008192, OMIM 168000.

Submissions (5):

Labcorp Genetics (formerly Invitae), Labcorp
Classification: Likely benign for Carney-Stratakis syndrome; Paragangliomas with sensorineural hearing loss; Pheochromocytoma; Cowden syndrome 3. Last evaluated: 2026-01-26. Review status: criteria provided, single submitter. Criteria: Invitae Variant Classification Sherloc (09022015). Collection method: clinical testing. Allele origin: germline.

Myriad Genetics, Inc.
Classification: Benign for Pheochromocytoma/paraganglioma syndrome 1. Last evaluated: 2025-03-17. Review status: criteria provided, single submitter. Criteria: Myriad Autosomal Dominant, Autosomal Recessive and X-Linked Classification Criteria (2023). Collection method: clinical testing. Allele origin: unknown.
Comment: This variant is considered benign. This variant is a silent/synonymous amino acid change and it is not expected to impact splicing.

Color Diagnostics, LLC DBA Color Health
Classification: Likely benign for Hereditary pheochromocytoma and paraganglioma. Last evaluated: 2022-11-06. Review status: criteria provided, single submitter. Criteria: ACMG Guidelines, 2015. Collection method: clinical testing. Allele origin: germline.

Quest Diagnostics Nichols Institute San Juan Capistrano
Classification: Likely benign. Last evaluated: 2019-04-22. Review status: criteria provided, single submitter. Criteria: Quest Diagnostics criteria. Collection method: clinical testing. Allele origin: germline.

Ambry Genetics
Classification: Likely benign for Hereditary cancer-predisposing syndrome. Last evaluated: 2016-07-05. Review status: criteria provided, single submitter. Criteria: Ambry Variant Classification Scheme 2023. Collection method: clinical testing. Allele origin: germline.

NM_003002.4(SDHD):c.282C>G (p.Ser94=)

Gene: SDHD (succinate dehydrogenase complex subunit D; plus strand). Cytogenetic location: 11q23.1.
Variant type: single nucleotide variant.
Coding change: c.282C>G on transcript NM_003002.4 (MANE Select); coding-DNA position 282, C replaced by G.
Protein change: p.Ser94=; no amino-acid change (serine 94 retained).
Molecular consequence: synonymous variant. On other transcripts: non-coding transcript variant (1), intron variant (1).
Genome position (GRCh38, 1-based): chr11:112,088,979, C>G. VCF-style: chr11-112088979-C-G. GRCh37 (hg19) VCF-style: chr11-111959703-C-G.
Other names: c.165C>G, p.Ser55= (NM_001276504.2); c.282C>G, p.Ser94= (NM_001276506.2); c.169+1006C>G (NM_001276503.2).
Identifiers: ClinVar variation 184557 (VCV000184557.21), dbSNP rs781182616, ClinGen allele CA016642.